The following is an entry in ClinVar:

NM_005585.5(SMAD6):c.453del (p.Glu151fs)

Gene: SMAD6 (SMAD family member 6; plus strand). Cytogenetic location: 15q22.31.
Variant type: Deletion.
Coding change: c.453del on transcript NM_005585.5 (MANE Select); coding-DNA position 453, one base deleted (G; older notation c.453delG).
Protein change: p.Glu151fs; shifts the reading frame from glutamic acid 151.
Molecular consequence: frameshift variant. On other transcripts: non-coding transcript variant (1).
Genome position (GRCh38, 1-based): chr15:66,703,711, G deleted. VCF-style (leftmost placement, unchanged base first): chr15-66703710-AG-A. GRCh37 (hg19) VCF-style: chr15-66996048-AG-A.
Other names: short protein forms E151fs.
Identifiers: ClinVar variation 1318585 (VCV001318585.2), dbSNP rs2140581679, ClinGen allele CA2573054076.
Genomic context (GRCh38, chr15:66,703,710, plus strand): 5'-AGCGGGACGCCGCCGGCGCGCCCCGGGACGCCAGCGACCCCCTGGCCGGGGCGGCCCTGG[AG>A]CCGGCGGGCGGCGGGCGGAGTCGCGAAGCGCGCTCGCGGCTGCTGCTGCTGGAGCAGGAA-3'

ClinVar aggregate classification (germline): Uncertain significance (1 of 4 stars; one submission).

Submission:

GeneDx
Classification: Uncertain significance. Last evaluated: 2019-10-11. Review status: criteria provided, single submitter. Criteria: GeneDx Variant Classification Process June 2021. Collection method: clinical testing. Allele origin: germline. Affected: yes.
Comment: Not observed in large population cohorts (Lek et al., 2016); Frameshift variant predicted to result in protein truncation or nonsense mediated decay in a gene for which loss-of-function is not a known mechanism of disease; Has not been previously published as pathogenic or benign to our knowledge